The following is an entry in ClinVar:

ClinVar aggregate classification (germline): Conflicting classifications of pathogenicity. Review status: criteria provided, conflicting classifications (1 of 4 stars). 5 submissions from 4 submitters: Uncertain significance (2); Likely benign (2). 1 of the submissions does not count toward it. Last evaluated 2025-08-09.

Conditions:
Senior-Loken syndrome 4 (SLSN4). Identifiers: Orphanet 3156, MedGen C1846979, MONDO:0011756, OMIM 606996.
NPHP4-related disorder. Also called: NPHP4-related disorders; NPHP4-related condition. Identifiers: MedGen CN239384.
Nephronophthisis 4 (NPHP4). Also called: NEPHRONOPHTHISIS 4, JUVENILE. Identifiers: Orphanet 655, MedGen C1847013, MONDO:0011752, OMIM 606966.
Nephronophthisis. Also called: Juvenile Nephronophthisis. Identifiers: Orphanet 655, MedGen C0687120, MONDO:0019005, HP:0000090.

Allele frequency attached by ClinVar (database versions not stated): TOPMed 0.00011; gnomAD 0.00013 and 0.00016; ESP Exome Variant Server 0.00016; ExAC 0.00019; gnomAD exomes 0.00026.
gnomAD v4.1: 262 of 1,587,842 alleles (0.017%); highest among the groups gnomAD compares: Middle Eastern, 0.051%; no homozygotes.

Submissions (5):

Labcorp Genetics (formerly Invitae), Labcorp
Classification: Likely benign for Nephronophthisis. Last evaluated: 2025-08-09. Review status: criteria provided, single submitter. Criteria: Invitae Variant Classification Sherloc (09022015). Collection method: clinical testing. Allele origin: germline.

Blueprint Genetics
Classification: Likely benign. Last evaluated: 2024-10-31. Review status: criteria provided, single submitter. Criteria: ACMG Guidelines, 2015. Collection method: clinical testing. Allele origin: germline.

Illumina Laboratory Services, Illumina
Classification: Uncertain significance for Nephronophthisis 4. Last evaluated: 2018-01-13. Review status: criteria provided, single submitter. Criteria: ICSL Variant Classification Criteria 13 December 2019. Collection method: clinical testing. Allele origin: germline.

Illumina Laboratory Services, Illumina
Classification: Uncertain significance for Senior-Loken syndrome 4. Last evaluated: 2018-01-13. Review status: criteria provided, single submitter. Criteria: ICSL Variant Classification Criteria 13 December 2019. Collection method: clinical testing. Allele origin: germline.

PreventionGenetics, part of Exact Sciences
Classification: Likely benign for NPHP4-related condition. Last evaluated: 2019-08-07. Review status: no assertion criteria provided. Collection method: clinical testing. Allele origin: germline. Not counted in ClinVar's aggregate classification.
Comment: This variant is classified as likely benign based on ACMG/AMP sequence variant interpretation guidelines (Richards et al. 2015 PMID: 25741868, with internal and published modifications).

NM_015102.5(NPHP4):c.2781C>T (p.Ala927=)

Gene: NPHP4 (nephrocystin 4; minus strand). Cytogenetic location: 1p36.31.
Variant type: single nucleotide variant.
Coding change: c.2781C>T on transcript NM_015102.5 (MANE Select); coding-DNA position 2781, C replaced by T.
Protein change: p.Ala927=; no amino-acid change (alanine 927 retained).
Molecular consequence: synonymous variant. On other transcripts: non-coding transcript variant (1).
Genome position (GRCh38, 1-based): chr1:5,877,129, G>A on the plus strand (C>T on the coding strand, the complement: NPHP4 is on the minus strand). VCF-style: chr1-5877129-G-A. GRCh37 (hg19) VCF-style: chr1-5937189-G-A.
Other names: c.1242C>T, p.Ala414= (NM_001291593.2); c.1245C>T, p.Ala415= (NM_001291594.2).
Identifiers: ClinVar variation 695589 (VCV000695589.17), dbSNP rs199875603, ClinGen allele CA553938.